The following is an entry in ClinVar:

ClinVar aggregate classification (germline): Likely benign. Review status: criteria provided, single submitter (1 of 4 stars). 2 submissions from 2 submitters: Likely benign (1). 1 of the submissions does not count toward it. Last evaluated 2024-05-26.

Conditions:
PEX5-related disorder. Also called: PEX5-Related Disorders; PEX5-related condition.
Peroxisome biogenesis disorder 2B (PBD2B). Identifiers: Orphanet 44, MedGen C3550234, MONDO:0008736, OMIM 202370.

Allele frequency attached by ClinVar (database versions not stated): TOPMed 0.00001.

Submissions (2):

Labcorp Genetics (formerly Invitae), Labcorp
Classification: Likely benign for Peroxisome biogenesis disorder 2B. Last evaluated: 2024-05-26. Review status: criteria provided, single submitter. Criteria: Invitae Variant Classification Sherloc (09022015). Collection method: clinical testing. Allele origin: germline.

PreventionGenetics, part of Exact Sciences
Classification: Likely benign for PEX5-related condition. Last evaluated: 2023-10-16. Review status: no assertion criteria provided. Collection method: clinical testing. Allele origin: germline. Not counted in ClinVar's aggregate classification.
Comment: This variant is classified as likely benign based on ACMG/AMP sequence variant interpretation guidelines (Richards et al. 2015 PMID: 25741868, with internal and published modifications).

NM_001351132.2(PEX5):c.1914C>G (p.Pro638=)

Gene: PEX5 (peroxisomal biogenesis factor 5; plus strand). Cytogenetic location: 12p13.31.
Variant type: single nucleotide variant.
Coding change: c.1914C>G on transcript NM_001351132.2 (MANE Select); coding-DNA position 1914, C replaced by G.
Protein change: p.Pro638=; no amino-acid change (proline 638 retained).
Molecular consequence: synonymous variant.
Genome position (GRCh38, 1-based): chr12:7,210,217, C>G. VCF-style: chr12-7210217-C-G. GRCh37 (hg19) VCF-style: chr12-7362813-C-G.
Other names: c.1890C>G, p.Pro630= (NM_000319.5); c.1959C>G, p.Pro653= (NM_001131023.2); c.1803C>G, p.Pro601= (NM_001131024.2, NM_001351124.3, NM_001351126.2 and 7 more transcripts); c.1914C>G, p.Pro638= (NM_001131025.2, NM_001131026.2, NM_001300789.3 and 4 more transcripts); c.1848C>G, p.Pro616= (NM_001351135.3, NM_001351138.2); c.1905C>G, p.Pro635= (NM_001351136.2); c.1779C>G, p.Pro593= (NM_001351139.2, NM_001351140.2, NM_001374649.2).
Identifiers: ClinVar variation 3033166 (VCV003033166.4), dbSNP rs1945394257, ClinGen allele CA478523724.
Genomic context (GRCh38, chr12:7,210,217, plus strand): 5'-TGCCTATGGGGCAGCCGACGCGCGGGATCTGTCCACCCTCCTAACTATGTTTGGCCTGCC[C>G]CAGTGACAGTGGGACGGGCTGCCCTGTGAGTGTCCACCTGGAGGGATCCCCGCTTTGGAT-3'
Protein context (NP_001338061.1, residues 628-639): LSTLLTMFGL[Pro638=]Q